The following is an entry in ClinVar:

ClinVar aggregate classification (germline): Conflicting classifications of pathogenicity. Review status: criteria provided, conflicting classifications (1 of 4 stars). 3 submissions from 3 submitters: Likely pathogenic (1); Uncertain significance (1). 1 of the submissions does not count toward it. Last evaluated 2024-09-15.

Conditions:
Hereditary cancer-predisposing syndrome. Also called: Hereditary Cancer Syndrome; Neoplastic Syndromes, Hereditary; Hereditary neoplastic syndrome; Tumor predisposition. Identifiers: Orphanet 140162, MedGen C0027672, MeSH D009386, MONDO:0015356.
Hereditary breast ovarian cancer syndrome. Also called: Hereditary breast and ovarian cancer syndrome (HBOC); Breast and ovarian cancer; Hereditary breast and ovarian cancer syndrome; Hereditary breast and ovarian cancer; BRCA1- and BRCA2-Associated Hereditary Breast and Ovarian Cancer; Hereditary breast and/or ovarian cancer syndrome. Identifiers: Orphanet 145, MedGen C0677776, MeSH D061325, MONDO:0003582. Disease mechanism: loss of function.
Breast-ovarian cancer, familial, susceptibility to, 1 (BROVCA1). Also called: BRCA1 Hereditary Breast and Ovarian Cancer; OVARIAN CANCER, SUSCEPTIBILITY TO. Identifiers: Orphanet 145, MedGen C2676676, MONDO:0011450, OMIM 604370. Disease mechanism: loss of function.

Submissions (4):

Ambry Genetics
Classification: Likely pathogenic for Hereditary cancer-predisposing syndrome. Last evaluated: 2024-09-15. Review status: criteria provided, single submitter. Criteria: Ambry Variant Classification Scheme 2023. Collection method: clinical testing. Allele origin: germline.
Comment: The p.T1684P variant (also known as c.5050A>C), located in coding exon 15 of the BRCA1 gene, results from an A to C substitution at nucleotide position 5050. The threonine at codon 1684 is replaced by proline, an amino acid with highly similar properties. In multiple assays testing BRCA1 function, this variant showed functionally abnormal results (Findlay GM et al. Nature, 2018 Oct;562:217-222; Adamovich AI et al. Am J Hum Genet, 2022 Apr;109:618-630). The variant is moderately destabilizing to the local structure (Ambry internal data). This amino acid position is highly conserved in available vertebrate species. In addition, the in silico prediction for this alteration is inconclusive. This variant is considered to be rare based on population cohorts in the Genome Aggregation Database (gnomAD). Based on the majority of available evidence to date, this variant is likely to be pathogenic.

Labcorp Genetics (formerly Invitae), Labcorp
Classification: Uncertain significance for Hereditary breast ovarian cancer syndrome. Last evaluated: 2024-06-05. Review status: criteria provided, single submitter. Criteria: Invitae Variant Classification Sherloc (09022015). Collection method: clinical testing. Allele origin: germline.
Comment: This sequence change replaces threonine, which is neutral and polar, with proline, which is neutral and non-polar, at codon 1684 of the BRCA1 protein (p.Thr1684Pro). This variant is not present in population databases (gnomAD no frequency). This variant has not been reported in the literature in individuals affected with BRCA1-related conditions. ClinVar contains an entry for this variant (Variation ID: 252883). Advanced modeling performed at Invitae incorporating data from internal and/or published experimental studies (PMID: 30209399) indicates that this missense variant is expected to disrupt BRCA1 function with a positive predictive value of 95%. Experimental studies have shown that this missense change affects BRCA1 function (PMID: 30209399). In summary, the available evidence is currently insufficient to determine the role of this variant in disease. Therefore, it has been classified as a Variant of Uncertain Significance.

Sharing Clinical Reports Project (SCRP)
Classification: Uncertain significance for Breast-ovarian cancer, familial 1. Last evaluated: 2008-11-02. Review status: no assertion criteria provided. Collection method: clinical testing. Allele origin: germline. Not counted in ClinVar's aggregate classification.

Brotman Baty Institute, University of Washington
No classification provided (evidence only). Condition: Breast-ovarian cancer, familial 1. Review status: no classification provided. Collection method: in vitro. Allele origin: not applicable. Functional consequence: functionally_abnormal. Not counted in ClinVar's aggregate classification.
ClinVar note: "not provided" was previously submitted as the classification for the variant. However, the classification appeared to be based only on an observation of functional data so it was converted to no classification on 2025-07-30.

Literature cited by the submitters: PubMed 30209399 (cited by Ambry Genetics and Labcorp Genetics (formerly Invitae), Labcorp); PubMed 35196514 (cited by Ambry Genetics).

NM_007294.4(BRCA1):c.5050A>C (p.Thr1684Pro)

Gene: BRCA1 (BRCA1 DNA repair associated; minus strand). Cytogenetic location: 17q21.31.
Variant type: single nucleotide variant.
Coding change: c.5050A>C on transcript NM_007294.4 (MANE Select); coding-DNA position 5050, A replaced by C.
Protein change: p.Thr1684Pro; replaces threonine 1684 with proline.
Molecular consequence: missense variant. On other transcripts: non-coding transcript variant (1).
Genome position (GRCh38, 1-based): chr17:43,067,632, T>G on the plus strand (A>C on the coding strand, the complement: BRCA1 is on the minus strand). VCF-style: chr17-43067632-T-G. GRCh37 (hg19) VCF-style: chr17-41219649-T-G.
Other names: 5169A>C; c.4837A>C, p.Thr1613Pro (NM_001407571.1, NM_001407898.1, NM_001407899.1 and 12 more transcripts); c.5116A>C, p.Thr1706Pro (NM_001407581.1, NM_001407582.1); c.5113A>C, p.Thr1705Pro (NM_001407583.1, NM_001407585.1, NM_001407587.1 and 1 more transcripts); c.5110A>C, p.Thr1704Pro (NM_001407590.1, NM_001407591.1); c.5050A>C, p.Thr1684Pro (NM_001407593.1, NM_001407594.1, NM_001407596.1 and 8 more transcripts); c.5047A>C, p.Thr1683Pro (NM_001407610.1, NM_001407611.1, NM_001407612.1 and 17 more transcripts); c.5044A>C, p.Thr1682Pro (NM_001407627.1, NM_001407628.1, NM_001407629.1 and 14 more transcripts); and 71 more; short protein forms T1684P, T1637P, T1705P, T580P, T1387P, T1388P, T1613P, T1657P.
Identifiers: ClinVar variation 252883 (VCV000252883.9), dbSNP rs879255491, ClinGen allele CA10586111.